The following is an entry in ClinVar:

ClinVar aggregate classification (germline): Conflicting classifications of pathogenicity. Review status: criteria provided, conflicting classifications (1 of 4 stars). 3 submissions from 3 submitters: Uncertain significance (1); Likely benign (2). Last evaluated 2026-02-18.

Conditions:
POLD1-related polyposis and colorectal cancer syndrome (CRCS10). Also called: Colorectal cancer 10; COLORECTAL CANCER, SUSCEPTIBILITY TO, ON CHROMOSOME 19q; Colorectal cancer, susceptibility to, 10. Identifiers: Orphanet 220460, MedGen C2675481, MONDO:0012953, OMIM 612591.
Hereditary cancer-predisposing syndrome. Also called: Tumor predisposition; Hereditary Cancer Syndrome; Hereditary neoplastic syndrome; Neoplastic Syndromes, Hereditary. Identifiers: Orphanet 140162, MedGen C0027672, MeSH D009386, MONDO:0015356.

gnomAD v4.1: 3 of 1,555,740 alleles (0.00019%); highest among the groups gnomAD compares: East Asian, 0.0024%; no homozygotes.

Submissions (3):

Ambry Genetics
Classification: Uncertain significance for Hereditary cancer-predisposing syndrome. Last evaluated: 2026-02-18. Review status: criteria provided, single submitter. Criteria: Ambry Variant Classification Scheme 2023. Collection method: clinical testing. Allele origin: germline.
Comment: The c.971-4G>T intronic variant results from a G to T substitution 4 nucleotides upstream from coding exon 8 in the POLD1 gene. This nucleotide position is poorly conserved in available vertebrate species. In silico splice site analysis for this alteration is inconclusive. Based on the available evidence, the clinical significance of this variant remains unclear.

Myriad Genetics, Inc.
Classification: Likely benign for POLD1-related polyposis and colorectal cancer syndrome. Last evaluated: 2025-02-05. Review status: criteria provided, single submitter. Criteria: Myriad Autosomal Dominant, Autosomal Recessive and X-Linked Classification Criteria (2023). Collection method: clinical testing. Allele origin: unknown.
Comment: This variant is considered likely benign. This variant is intronic and is not expected to impact mRNA splicing.

Labcorp Genetics (formerly Invitae), Labcorp
Classification: Likely benign for POLD1-related polyposis and colorectal cancer syndrome. Last evaluated: 2024-12-22. Review status: criteria provided, single submitter. Criteria: Invitae Variant Classification Sherloc (09022015). Collection method: clinical testing. Allele origin: germline.

NM_002691.4(POLD1):c.971-4G>T

Gene: POLD1 (DNA polymerase delta 1, catalytic subunit; plus strand). Cytogenetic location: 19q13.33.
Variant type: single nucleotide variant.
Coding change: c.971-4G>T on transcript NM_002691.4 (MANE Select); 4 bases into the intron before coding-DNA position 971, G replaced by T.
Molecular consequence: intron variant.
Genome position (GRCh38, 1-based): chr19:50,403,049, G>T. VCF-style: chr19-50403049-G-T. GRCh37 (hg19) VCF-style: chr19-50906306-G-T.
Other names: c.971-4G>T (NM_001256849.1, NM_001308632.1, LRG_785t1 and 1 more transcripts).
Identifiers: ClinVar variation 484414 (VCV000484414.16), dbSNP rs200144991, ClinGen allele CA633897615.
Genomic context (GRCh38, chr19:50,403,049, plus strand): 5'-AGCCTCCCTGCTGTGTTGGGAGTGAGGGGCAGGAGTCAGGCCCCTGCATCCTCCTGCCTC[G>T]CAGGCATCTTCCCTGAGCCTGAGCGGGACCCTGTCATCCAGATCTGCTCGCTGGGCCTGC-3'